The following is an entry in ClinVar:

ClinVar aggregate classification (germline): Uncertain significance. Review status: criteria provided, multiple submitters, no conflicts (2 of 4 stars). 2 submissions from 2 submitters: Uncertain significance (2). Last evaluated 2025-02-04.

Conditions:
Inborn genetic diseases. Identifiers: MedGen C0950123, MeSH D030342.

Allele frequency attached by ClinVar (database versions not stated): gnomAD exomes 0.00006; ESP Exome Variant Server 0.00015; ExAC 0.00016; gnomAD 0.00039; TOPMed 0.00059.
gnomAD v4.1: 152 of 1,608,844 alleles (0.0094%); highest among the groups gnomAD compares: African/African-American, 0.13%; no homozygotes.

Submissions (2):

Ambry Genetics
Classification: Uncertain significance for Inborn genetic diseases. Last evaluated: 2025-02-04. Review status: criteria provided, single submitter. Criteria: Ambry Variant Classification Scheme 2023. Collection method: clinical testing. Allele origin: germline.

Labcorp Genetics (formerly Invitae), Labcorp
Classification: Uncertain significance. Last evaluated: 2022-08-21. Review status: criteria provided, single submitter. Criteria: Invitae Variant Classification Sherloc (09022015). Collection method: clinical testing. Allele origin: germline.
Comment: This sequence change replaces proline, which is neutral and non-polar, with leucine, which is neutral and non-polar, at codon 305 of the PKDCC protein (p.Pro305Leu). This variant is present in population databases (rs369211885, gnomAD 0.1%). This variant has not been reported in the literature in individuals affected with PKDCC-related conditions. Algorithms developed to predict the effect of missense changes on protein structure and function are either unavailable or do not agree on the potential impact of this missense change (SIFT: "Deleterious"; PolyPhen-2: "Benign"; Align-GVGD: "Class C15"). In summary, the available evidence is currently insufficient to determine the role of this variant in disease. Therefore, it has been classified as a Variant of Uncertain Significance.

NM_138370.3(PKDCC):c.914C>T (p.Pro305Leu)

Gene: PKDCC (protein kinase domain containing, cytoplasmic; plus strand). Cytogenetic location: 2p21.
Variant type: single nucleotide variant.
Coding change: c.914C>T on transcript NM_138370.3 (MANE Select); coding-DNA position 914, C replaced by T.
Protein change: p.Pro305Leu; replaces proline 305 with leucine.
Molecular consequence: missense variant.
Genome position (GRCh38, 1-based): chr2:42,054,187, C>T. VCF-style: chr2-42054187-C-T. GRCh37 (hg19) VCF-style: chr2-42281327-C-T.
Other names: short protein forms P305L.
Identifiers: ClinVar variation 2056590 (VCV002056590.3), dbSNP rs369211885, ClinGen allele CA1628062.